The following is an entry in ClinVar:

ClinVar aggregate classification (germline): Likely benign (1 of 4 stars; one submission).

Conditions:
Hereditary spastic paraplegia 48. Also called: SPASTIC PARAPLEGIA 48, AUTOSOMAL RECESSIVE; Spastic paraplegia 48. Identifiers: Orphanet 306511, MedGen C3150901, MONDO:0013342, OMIM 613647.

Allele frequency attached by ClinVar (database versions not stated): 1000 Genomes Project 30x 0.00547; 1000 Genomes Project 0.00559; gnomAD 0.00751 and 0.00813; TOPMed 0.00890.

Submission:

Illumina Laboratory Services, Illumina
Classification: Likely benign for Hereditary spastic paraplegia 48. Last evaluated: 2018-01-13. Review status: criteria provided, single submitter. Criteria: ICSL Variant Classification Criteria 13 December 2019. Collection method: clinical testing. Allele origin: germline.
Comment: This variant was observed in the ICSL laboratory as part of a predisposition screen in an ostensibly healthy population. It had not been previously curated by ICSL or reported in the Human Gene Mutation Database (HGMD: prior to June 1st, 2018), and was therefore a candidate for classification through an automated scoring system. Utilizing variant allele frequency, disease prevalence and penetrance estimates, and inheritance mode, an automated score was calculated to assess if this variant is too frequent to cause the disease. Based on the score and internal cut-off values, a variant classified as likely benign is not then subjected to further curation. The score for this variant resulted in a classification of likely benign for this disease.

NM_014855.3(AP5Z1):c.*2198G>C

Gene: AP5Z1 (adaptor related protein complex 5 subunit zeta 1; plus strand). Cytogenetic location: 7p22.1.
Variant type: single nucleotide variant.
Coding change: c.*2198G>C on transcript NM_014855.3 (MANE Select); 2198 bases downstream of the stop codon, G replaced by C.
Molecular consequence: 3 prime UTR variant. On other transcripts: non-coding transcript variant (1).
Genome position (GRCh38, 1-based): chr7:4,793,583, G>C. VCF-style: chr7-4793583-G-C. GRCh37 (hg19) VCF-style: chr7-4833214-G-C.
Other names: c.*2198G>C (LRG_1247t1, NM_001364858.1).
Identifiers: ClinVar variation 360401 (VCV000360401.5), dbSNP rs148554790, ClinGen allele CA10629228.